The following is an entry in ClinVar:

NM_025193.4(HSD3B7):c.927G>A (p.Leu309=)

Gene: HSD3B7 (hydroxy-delta-5-steroid dehydrogenase, 3 beta- and steroid delta-isomerase 7; plus strand). Cytogenetic location: 16p11.2.
Variant type: single nucleotide variant.
Coding change: c.927G>A on transcript NM_025193.4 (MANE Select); coding-DNA position 927, G replaced by A.
Protein change: p.Leu309=; no amino-acid change (leucine 309 retained).
Molecular consequence: synonymous variant. On other transcripts: 3 prime UTR variant (2).
Genome position (GRCh38, 1-based): chr16:30,988,000, G>A. VCF-style: chr16-30988000-G-A. GRCh37 (hg19) VCF-style: chr16-30999321-G-A.
Other names: c.*173G>A (NM_001142777.2, NM_001142778.2).
Identifiers: ClinVar variation 3046493 (VCV003046493.4), dbSNP rs2056511428, ClinGen allele CA494921059.

ClinVar aggregate classification (germline): Likely benign. Review status: criteria provided, single submitter (1 of 4 stars). 2 submissions from 2 submitters: Likely benign (1). 1 of the submissions does not count toward it. Last evaluated 2024-11-17.

Conditions:
HSD3B7-related disorder. Also called: HSD3B7-related condition.

Submissions (2):

Labcorp Genetics (formerly Invitae), Labcorp
Classification: Likely benign. Last evaluated: 2024-11-17. Review status: criteria provided, single submitter. Criteria: Invitae Variant Classification Sherloc (09022015). Collection method: clinical testing. Allele origin: germline.

PreventionGenetics, part of Exact Sciences
Classification: Likely benign for HSD3B7-related condition. Last evaluated: 2022-09-06. Review status: no assertion criteria provided. Collection method: clinical testing. Allele origin: germline. Not counted in ClinVar's aggregate classification.
Comment: This variant is classified as likely benign based on ACMG/AMP sequence variant interpretation guidelines (Richards et al. 2015 PMID: 25741868, with internal and published modifications).